The following is an entry in ClinVar:

ClinVar aggregate classification (germline): Conflicting classifications of pathogenicity. Review status: criteria provided, conflicting classifications (1 of 4 stars). 4 submissions from 4 submitters: Uncertain significance (1); Likely benign (3). Last evaluated 2025-10-10.

Allele frequency attached by ClinVar (database versions not stated): gnomAD 0.00011 and 0.00012; ExAC 0.00013; TOPMed 0.00017; ESP Exome Variant Server 0.00015; gnomAD exomes 0.00013.
gnomAD v4.1: 679 of 1,614,088 alleles (0.042%); highest among the groups gnomAD compares: Non-Finnish European, 0.056%; 1 homozygote.

Submissions (4):

Labcorp Genetics (formerly Invitae), Labcorp
Classification: Likely benign. Last evaluated: 2025-10-10. Review status: criteria provided, single submitter. Criteria: Invitae Variant Classification Sherloc (09022015). Collection method: clinical testing. Allele origin: germline.

Blueprint Genetics
Classification: Likely benign. Last evaluated: 2024-10-11. Review status: criteria provided, single submitter. Criteria: ACMG Guidelines, 2015. Collection method: clinical testing. Allele origin: germline.

GeneDx
Classification: Likely benign. Last evaluated: 2020-12-28. Review status: criteria provided, single submitter. Criteria: GeneDx Variant Classification Process June 2021. Collection method: clinical testing. Allele origin: germline. Affected: yes.
Comment: This variant is associated with the following publications: (PMID: 28767289)

Eurofins Ntd Llc (ga)
Classification: Uncertain significance. Last evaluated: 2015-12-04. Review status: criteria provided, single submitter. Criteria: EGL Classification Definitions 2015. Collection method: clinical testing. Allele origin: germline. Observed: 1 variant allele, 1 heterozygote.

NM_006015.6(ARID1A):c.1175C>A (p.Pro392His)

Gene: ARID1A (AT-rich interaction domain 1A; plus strand). Cytogenetic location: 1p36.11.
Variant type: single nucleotide variant.
Coding change: c.1175C>A on transcript NM_006015.6 (MANE Select); coding-DNA position 1175, C replaced by A.
Protein change: p.Pro392His; replaces proline 392 with histidine.
Molecular consequence: missense variant.
Genome position (GRCh38, 1-based): chr1:26,729,688, C>A. VCF-style: chr1-26729688-C-A. GRCh37 (hg19) VCF-style: chr1-27056179-C-A.
Other names: c.1175C>A, p.Pro392His (NM_139135.4); short protein forms P392H.
Identifiers: ClinVar variation 285119 (VCV000285119.13), dbSNP rs199906671, ClinGen allele CA706725.
Genomic context (GRCh38, chr1:26,729,688, plus strand): 5'-ATGAAATGCTCTTTATTTTGTAGCCATCCAGTCCAATGGATCAGATGGGCAAGATGAGAC[C>A]TCAGCCATATGGCGGGACTAACCCATACTCGCAGCAACAGGGACCTCCGTCAGGACCGCA-3'
Protein context (NP_006006.3, residues 382-402): SPMDQMGKMR[Pro392His]QPYGGTNPYS